The following is an entry in ClinVar:

ClinVar aggregate classification (germline): Uncertain significance (1 of 4 stars; one submission).

Conditions:
Deficiency of alpha-mannosidase (MANSA). Also called: LYSOSOMAL ALPHA-D-MANNOSIDASE DEFICIENCY; Mannosidosis, alpha-, types I and II; Alpha-Mannosidosis. Identifiers: Orphanet 61, MedGen C0024748, MONDO:0009561, OMIM 248500.

Allele frequency attached by ClinVar (database versions not stated): gnomAD exomes 0.00001; gnomAD 0.00002 and 0.00003; TOPMed 0.00003.

Submission:

Labcorp Genetics (formerly Invitae), Labcorp
Classification: Uncertain significance for Deficiency of alpha-mannosidase. Last evaluated: 2026-01-19. Review status: criteria provided, single submitter. Criteria: Invitae Variant Classification Sherloc (09022015). Collection method: clinical testing. Allele origin: germline.
Comment: This sequence change replaces asparagine, which is neutral and polar, with serine, which is neutral and polar, at codon 262 of the MAN2B1 protein (p.Asn262Ser). This variant is present in population databases (no rsID available, gnomAD 0.0009%). This variant has not been reported in the literature in individuals affected with MAN2B1-related conditions. ClinVar contains an entry for this variant (Variation ID: 1444747). Invitae Evidence Modeling of protein sequence and biophysical properties (such as structural, functional, and spatial information, amino acid conservation, physicochemical variation, residue mobility, and thermodynamic stability) indicates that this missense variant is not expected to disrupt MAN2B1 protein function with a negative predictive value of 95%. Algorithms developed to predict the effect of sequence changes on RNA splicing suggest that this variant may disrupt the consensus splice site. In summary, the available evidence is currently insufficient to determine the role of this variant in disease. Therefore, it has been classified as a Variant of Uncertain Significance.

NM_000528.4(MAN2B1):c.785A>G (p.Asn262Ser)

Gene: MAN2B1 (mannosidase alpha class 2B member 1; minus strand). Cytogenetic location: 19p13.13.
Variant type: single nucleotide variant.
Coding change: c.785A>G on transcript NM_000528.4 (MANE Select); coding-DNA position 785, A replaced by G.
Protein change: p.Asn262Ser; replaces asparagine 262 with serine.
Molecular consequence: missense variant.
Genome position (GRCh38, 1-based): chr19:12,663,441, T>C on the plus strand (A>G on the coding strand, the complement: MAN2B1 is on the minus strand). VCF-style: chr19-12663441-T-C. GRCh37 (hg19) VCF-style: chr19-12774255-T-C.
Other names: c.785A>G, p.Asn262Ser (NM_001173498.2); short protein forms N262S.
Identifiers: ClinVar variation 1444747 (VCV001444747.4), dbSNP rs944317989, ClinGen allele CA305477671.